The following is an entry in ClinVar:

NM_006662.3(SRCAP):c.9531A>G (p.Ser3177=)

Gene: SRCAP (Snf2 related CREBBP activator protein; plus strand). Cytogenetic location: 16p11.2.
Variant type: single nucleotide variant.
Coding change: c.9531A>G on transcript NM_006662.3 (MANE Select); coding-DNA position 9531, A replaced by G.
Protein change: p.Ser3177=; no amino-acid change (serine 3177 retained).
Molecular consequence: synonymous variant.
Genome position (GRCh38, 1-based): chr16:30,739,571, A>G. VCF-style: chr16-30739571-A-G. GRCh37 (hg19) VCF-style: chr16-30750892-A-G.
Identifiers: ClinVar variation 3375213 (VCV003375213.2).

ClinVar aggregate classification (germline): Likely benign. Review status: criteria provided, multiple submitters, no conflicts (2 of 4 stars). 2 submissions from 2 submitters: Likely benign (2). Last evaluated 2025-05-27.

gnomAD v4.1: 45 of 1,605,766 alleles (0.0028%); highest among the groups gnomAD compares: Middle Eastern, 0.017%; no homozygotes.

Submissions (2):

Labcorp Genetics (formerly Invitae), Labcorp
Classification: Likely benign. Last evaluated: 2025-05-27. Review status: criteria provided, single submitter. Criteria: Invitae Variant Classification Sherloc (09022015). Collection method: clinical testing. Allele origin: germline.

Women's Health and Genetics/Laboratory Corporation of America, LabCorp
Classification: Likely benign. Last evaluated: 2024-09-25. Review status: criteria provided, single submitter. Criteria: LabCorp Variant Classification Summary - May 2015. Collection method: clinical testing. Allele origin: germline.
Comment: Variant summary: SRCAP c.9531A>G alters a non-conserved nucleotide resulting in a synonymous change. Consensus agreement among computation tools predict no significant damaging impact on normal splicing. However, these predictions have yet to be confirmed by functional studies. The variant allele was found at a frequency of 2.6e-05 in 228360 control chromosomes. The available data on variant occurrences in the general population are insufficient to allow any conclusion about variant significance. To our knowledge, no occurrence of c.9531A>G in individuals affected with Floating-Harbor Syndrome and no experimental evidence demonstrating its impact on protein function have been reported. No submitters have cited clinical-significance assessments for this variant to ClinVar. Based on the evidence outlined above, the variant was classified as likely benign.